The following is an entry in ClinVar:

NM_006088.6(TUBB4B):c.1290C>T (p.Ala430=)

Gene: TUBB4B (tubulin beta 4B class IVb; plus strand). Cytogenetic location: 9q34.3.
Variant type: single nucleotide variant.
Coding change: c.1290C>T on transcript NM_006088.6 (MANE Select); coding-DNA position 1290, C replaced by T.
Protein change: p.Ala430=; no amino-acid change (alanine 430 retained).
Molecular consequence: synonymous variant.
Genome position (GRCh38, 1-based): chr9:137,243,508, C>T. VCF-style: chr9-137243508-C-T. GRCh37 (hg19) VCF-style: chr9-140137960-C-T.
Identifiers: ClinVar variation 4989413 (VCV004989413.1).

ClinVar aggregate classification (germline): Likely benign (1 of 4 stars; one submission).

Conditions:
TUBB4B-related disorder. Also called: TUBB4B-related condition.

gnomAD v4.1: 49 of 1,613,752 alleles (0.003%); highest among the groups gnomAD compares: South Asian, 0.0099%; no homozygotes.

Submission:

PreventionGenetics, part of Exact Sciences
Classification: Likely benign for TUBB4B-related condition. Last evaluated: 2026-01-23. Review status: criteria provided, single submitter. Criteria: ACMG Guidelines, 2015. Collection method: clinical testing. Allele origin: germline.
Comment: This variant is classified as likely benign based on ACMG/AMP sequence variant interpretation guidelines (Richards et al. 2015 PMID: 25741868, with internal and published modifications).